The following is an entry in ClinVar:

ClinVar aggregate classification (germline): Conflicting classifications of pathogenicity. Review status: criteria provided, conflicting classifications (1 of 4 stars). 2 submissions from 2 submitters: Likely pathogenic (1); Uncertain significance (1). Last evaluated 2024-06-23.

Conditions:
KIT-related disorder. Also called: KIT-related condition.

Submissions (2):

GeneDx
Classification: Uncertain significance. Last evaluated: 2024-06-23. Review status: criteria provided, single submitter. Criteria: GeneDx Variant Classification Process June 2021. Collection method: clinical testing. Allele origin: germline. Affected: yes.
Comment: Not observed at significant frequency in large population cohorts (gnomAD); In silico analysis supports that this missense variant has a deleterious effect on protein structure/function; In silico analysis suggests this variant may impact gene splicing. In the absence of RNA/functional studies, the actual effect of this sequence change is unknown; Has not been previously published as pathogenic or benign to our knowledge

Blueprint Genetics
Classification: Likely pathogenic for KIT-related disorders. Last evaluated: 2022-03-17. Review status: criteria provided, single submitter. Criteria: ACMG Guidelines, 2015. Collection method: clinical testing. Allele origin: germline. Affected: yes. Observed: 5 variant alleles.

NM_000222.3(KIT):c.1870A>G (p.Met624Val)

Gene: KIT (KIT proto-oncogene, receptor tyrosine kinase; plus strand). Cytogenetic location: 4q12.
Variant type: single nucleotide variant.
Coding change: c.1870A>G on transcript NM_000222.3 (MANE Select); coding-DNA position 1870, A replaced by G.
Protein change: p.Met624Val; replaces methionine 624 with valine.
Molecular consequence: missense variant.
Genome position (GRCh38, 1-based): chr4:54,727,918, A>G. VCF-style: chr4-54727918-A-G. GRCh37 (hg19) VCF-style: chr4-55594084-A-G.
Other names: c.1858A>G, p.Met620Val (NM_001093772.2, NM_001385286.1); c.1873A>G, p.Met625Val (NM_001385284.1, NM_001385290.1); c.1870A>G, p.Met624Val (NM_001385285.1); c.1861A>G, p.Met621Val (NM_001385288.1, NM_001385292.1); short protein forms M620V, M621V, M624V, M625V.
Identifiers: ClinVar variation 3391748 (VCV003391748.2).